The following is an entry in ClinVar:

NM_000379.4(XDH):c.2441C>T (p.Ala814Val)

Gene: XDH (xanthine dehydrogenase; minus strand). Cytogenetic location: 2p23.1.
Variant type: single nucleotide variant.
Coding change: c.2441C>T on transcript NM_000379.4 (MANE Select); coding-DNA position 2441, C replaced by T.
Protein change: p.Ala814Val; replaces alanine 814 with valine.
Molecular consequence: missense variant.
Genome position (GRCh38, 1-based): chr2:31,365,991, G>A on the plus strand (C>T on the coding strand, the complement: XDH is on the minus strand). VCF-style: chr2-31365991-G-A. GRCh37 (hg19) VCF-style: chr2-31588857-G-A.
Other names: short protein forms A814V.
Identifiers: ClinVar variation 895587 (VCV000895587.12), dbSNP rs148585342, ClinGen allele CA1598833.

ClinVar aggregate classification (germline): Uncertain significance. Review status: criteria provided, multiple submitters, no conflicts (2 of 4 stars). 4 submissions from 4 submitters: Uncertain significance (4). Last evaluated 2026-02-06.

Conditions:
Hereditary xanthinuria type 1 (XAN1). Identifiers: Orphanet 3467, Orphanet 93601, MedGen C0268118, MONDO:0010209, OMIM 278300.
Xanthinuria type II. Also called: Xanthine dehydrogenase and aldehyde oxidase combined deficiency of; XDH and AOX dual deficiency. Identifiers: Orphanet 3467, Orphanet 93602, MedGen C1863688, MONDO:0011346, OMIM 603592.

Allele frequency attached by ClinVar (database versions not stated): ESP Exome Variant Server 0.00031; 1000 Genomes Project 0.00040; TOPMed 0.00050; gnomAD exomes 0.00030 and 0.00054; ExAC 0.00026; gnomAD 0.00044; 1000 Genomes Project 30x 0.00047.

Submissions (4):

GeneDx
Classification: Uncertain significance. Last evaluated: 2026-02-06. Review status: criteria provided, single submitter. Criteria: GeneDx Variant Classification Process June 2021. Collection method: clinical testing. Allele origin: germline.
Comment: Reported in a patient with nonsyndromic cleft lip in published literature (PMID: 36468602); In silico analysis supports that this missense variant has a deleterious effect on protein structure/function; This variant is associated with the following publications: (PMID: 36890159, 36468602)

Fulgent Genetics
Classification: Uncertain significance for Hereditary xanthinuria type 1. Last evaluated: 2024-04-18. Review status: criteria provided, single submitter. Criteria: ACMG Guidelines, 2015. Collection method: clinical testing. Allele origin: germline.

Labcorp Genetics (formerly Invitae), Labcorp
Classification: Uncertain significance for Xanthinuria type II. Last evaluated: 2022-08-09. Review status: criteria provided, single submitter. Criteria: Invitae Variant Classification Sherloc (09022015). Collection method: clinical testing. Allele origin: germline.
Comment: This sequence change replaces alanine, which is neutral and non-polar, with valine, which is neutral and non-polar, at codon 814 of the XDH protein (p.Ala814Val). This variant is present in population databases (rs148585342, gnomAD 0.07%). This variant has not been reported in the literature in individuals affected with XDH-related conditions. ClinVar contains an entry for this variant (Variation ID: 895587). Algorithms developed to predict the effect of missense changes on protein structure and function are either unavailable or do not agree on the potential impact of this missense change (SIFT: "Deleterious"; PolyPhen-2: "Probably Damaging"; Align-GVGD: "Class C0"). In summary, the available evidence is currently insufficient to determine the role of this variant in disease. Therefore, it has been classified as a Variant of Uncertain Significance.

Illumina Laboratory Services, Illumina
Classification: Uncertain significance for Hereditary xanthinuria type 1. Last evaluated: 2017-04-27. Review status: criteria provided, single submitter. Criteria: ICSL Variant Classification Criteria 13 December 2019. Collection method: clinical testing. Allele origin: germline.